The following is an entry in ClinVar:

GRCh37/hg19 17q12-21.2(chr17:33220181-39572233)x3

Genes: AATF (apoptosis antagonizing transcription factor; plus strand), ACACA (acetyl-CoA carboxylase alpha; minus strand), AP2B1 (adaptor related protein complex 2 subunit beta 1; plus strand), ARHGAP23 (Rho GTPase activating protein 23; plus strand), ARL5C (ARF like GTPase 5C; minus strand) and 157 more. Cytogenetic location: 17q12-21.2.
Variant type: copy number gain.
Change: copy number 3 (three copies instead of two) of chr17:33,220,181-39,572,233 (6.35 Mb, GRCh37 coordinates, 1-based), cytogenetic band 17q12-21.2.
Identifiers: ClinVar variation 4682915 (VCV004682915.1).

ClinVar aggregate classification (germline): Pathogenic (1 of 4 stars; one submission).

Submission:

Quest Diagnostics Nichols Institute San Juan Capistrano
Classification: Pathogenic. Last evaluated: 2024-11-15. Review status: criteria provided, single submitter. Criteria: ACMG/ClinGen CNV Guidelines, 2019. Collection method: clinical testing. Allele origin: unknown.
Comment: This duplication involves at least 100 protein-coding genes, and fully overlaps the approximately 1.4 Mb 17q12 recurrent (RCAD syndrome) region (ISCA-37432). Copy number gains of the this recurrent region have been associated with 17q12 duplication syndrome (OMIM 614526; Mefford 2007, Nagamani 2010, Rasmussen 2016). Approximately 90% of 17q12 duplications are reportedly inherited from unaffected or mildly affected parents, suggesting reduced penetrance and variable expressivity (Mefford 2022). Furthermore, a similar duplication was found in an affected individual (Weingartner 2023). There are no similar copy number gains of this region in the general populations of the Database of Genomic Variants. Thus, based on gene content and current medical literature, this copy number variant (CNV) is classified as pathogenic. References: Mefford et al., Am J Hum Genet. 2007 Nov;81(5):1057-69. PMID: 17924346 Mefford et al., GeneReviews. 2022 Jan. PMID: 26925472 Nagamani et al., Eur J Hum Genet. 2010 Mar;18(3):278-84. PMID: 19844256 Rasmussen et al., Am J Med Genet A. 2016 Nov;170(11):2934-2942. PMID: 27409573 Weingartner et al., Rev Paul Pediatr. 2023 Jan 20:41:e2021387. PMID: 36700567